The following is an entry in ClinVar:

ClinVar aggregate classification (germline): Pathogenic. Review status: criteria provided, multiple submitters, no conflicts (2 of 4 stars). 2 submissions from 2 submitters: Pathogenic (2). Last evaluated 2026-04-15.

Conditions:
Long QT syndrome (LQTS). Identifiers: MedGen C0023976, MeSH D008133, MONDO:0002442. Disease mechanism: loss of function. Inheritance: Various modes of inheritance.
Cardiovascular phenotype. Identifiers: MedGen CN230736.

Submissions (2):

Ambry Genetics
Classification: Pathogenic for Cardiovascular phenotype. Last evaluated: 2026-04-15. Review status: criteria provided, single submitter. Criteria: Ambry Variant Classification Scheme 2023. Collection method: clinical testing. Allele origin: germline.
Comment: The c.107dupT pathogenic mutation, located in coding exon 1 of the KCNQ1 gene, results from a duplication of T at nucleotide position 107, causing a translational frameshift with a predicted alternate stop codon (p.S37Lfs*248). This variant, reported as c.108insT, was observed in an individual from a long QT syndrome cohort (Kapplinger JD et al. Heart Rhythm, 2009 Sep;6:1297-303). This variant is considered to be rare based on population cohorts in the Genome Aggregation Database (gnomAD). This alteration is expected to result in loss of function by premature protein truncation or nonsense-mediated mRNA decay. As such, this alteration is interpreted as a disease-causing mutation.

Labcorp Genetics (formerly Invitae), Labcorp
Classification: Pathogenic for Long QT syndrome. Last evaluated: 2025-05-11. Review status: criteria provided, single submitter. Criteria: Invitae Variant Classification Sherloc (09022015). Collection method: clinical testing. Allele origin: germline.
Comment: This sequence change creates a premature translational stop signal (p.Ser37Leufs*248) in the KCNQ1 gene. It is expected to result in an absent or disrupted protein product. Loss-of-function variants in KCNQ1 are known to be pathogenic (PMID: 9323054, 19862833). This variant is not present in population databases (gnomAD no frequency). This premature translational stop signal has been observed in individual(s) with KCNQ1-related conditions (PMID: 19716085). This variant is also known as c.108insT. ClinVar contains an entry for this variant (Variation ID: 1786030). For these reasons, this variant has been classified as Pathogenic.

Literature cited by the submitters: PubMed 19716085 (cited by Ambry Genetics and Labcorp Genetics (formerly Invitae), Labcorp); PubMed 9323054 (cited by Labcorp Genetics (formerly Invitae), Labcorp); PubMed 19862833 (cited by Labcorp Genetics (formerly Invitae), Labcorp).

NM_000218.3(KCNQ1):c.107dup (p.Ser37fs)

Gene: KCNQ1 (potassium voltage-gated channel subfamily Q member 1; plus strand). Cytogenetic location: 11p15.5.
Variant type: Duplication.
Coding change: c.107dup on transcript NM_000218.3 (MANE Select); coding-DNA position 107, one base duplicated (T; older notation c.107dupT).
Protein change: p.Ser37fs; shifts the reading frame from serine 37.
Molecular consequence: frameshift variant.
Genome position (GRCh38, 1-based): chr11:2,445,205, T duplicated; the last of 2 consecutive T bases (chr11:2,445,204-2,445,205); duplicating either gives the same sequence. VCF-style (leftmost placement, unchanged base first): chr11-2445203-C-CT. GRCh37 (hg19) VCF-style: chr11-2466433-C-CT.
Other names: c.107dup, p.Ser37Leufs (NM_001406836.1, NM_001406838.1); c.-256dup (NM_001406837.1); c.107dupT (NM_000218.2); short protein forms S37fs.
Identifiers: ClinVar variation 1786030 (VCV001786030.4), dbSNP rs2496741202, ClinGen allele CA2580082595.